The following is an entry in ClinVar:

ClinVar aggregate classification (germline): Pathogenic (1 of 4 stars; one submission).

Conditions:
Familial thoracic aortic aneurysm and aortic dissection (TAAD). Also called: Thoracic aortic aneurysms and dissections. Identifiers: Orphanet 91387, MedGen C4707243, MONDO:0019625.
Marfan syndrome (MFS). Also called: FBN1-Related Marfan Syndrome; Marfan syndrome type 1; Marfan's syndrome; Marfan syndrome, classic; MARFAN SYNDROME, TYPE I. Identifiers: Orphanet 284963, Orphanet 558, MedGen C0024796, MONDO:0007947, OMIM 154700.

Submission:

Labcorp Genetics (formerly Invitae), Labcorp
Classification: Pathogenic for Marfan syndrome; Familial thoracic aortic aneurysm and aortic dissection. Last evaluated: 2018-05-15. Review status: criteria provided, single submitter. Criteria: Invitae Variant Classification Sherloc (09022015). Collection method: clinical testing. Allele origin: germline.
Comment: For these reasons, this variant has been classified as Pathogenic. Algorithms developed to predict the effect of missense changes on protein structure and function do not agree on the potential impact of this missense change (SIFT: "Deleterious"; PolyPhen-2: "Probably Damaging"; Align-GVGD: "Class C0"). This variant affects a cysteine residue located within an epidermal-growth-factor (EGF)–like domain of the FBN1 protein. Cysteine residues in these domains have been shown to be involved in the formation of disulfide bridges, which are critical for FBN1 protein structure and stability (PMID: 10486319, 3495735, 4750422, 16677079). In addition, missense substitutions within the FBN1 EGF-like domains affecting cysteine residues are significantly overrepresented among patients with Marfan syndrome (PMID: 16571647, 17701892). This variant has been observed in individuals affected with Marfan syndrome (PMID: 19161152, Invitae). This variant is not present in population databases (ExAC no frequency). This sequence change replaces cysteine with arginine at codon 2686 of the FBN1 protein (p.Cys2686Arg). The cysteine residue is highly conserved and there is a large physicochemical difference between cysteine and arginine.

Literature cited by the submitters: PubMed 10486319; PubMed 3495735; PubMed 4750422; PubMed 16677079; PubMed 16571647; PubMed 17701892; PubMed 19161152.

NM_000138.5(FBN1):c.8056T>C (p.Cys2686Arg)

Gene: FBN1 (fibrillin 1; minus strand). Cytogenetic location: 15q21.1.
Variant type: single nucleotide variant.
Coding change: c.8056T>C on transcript NM_000138.5 (MANE Select); coding-DNA position 8056, T replaced by C.
Protein change: p.Cys2686Arg; replaces cysteine 2686 with arginine.
Molecular consequence: missense variant.
Genome position (GRCh38, 1-based): chr15:48,412,739, A>G on the plus strand (T>C on the coding strand, the complement: FBN1 is on the minus strand). VCF-style: chr15-48412739-A-G. GRCh37 (hg19) VCF-style: chr15-48704936-A-G.
Other names: short protein forms C2686R.
Identifiers: ClinVar variation 582674 (VCV000582674.8), dbSNP rs1566889188, ClinGen allele CA392321660.